The following is an entry in ClinVar:

NM_032444.4(SLX4):c.2320G>T (p.Ala774Ser)

Gene: SLX4 (SLX4 structure-specific endonuclease subunit; minus strand). Cytogenetic location: 16p13.3.
Variant type: single nucleotide variant.
Coding change: c.2320G>T on transcript NM_032444.4 (MANE Select); coding-DNA position 2320, G replaced by T.
Protein change: p.Ala774Ser; replaces alanine 774 with serine.
Molecular consequence: missense variant.
Genome position (GRCh38, 1-based): chr16:3,592,706, C>A on the plus strand (G>T on the coding strand, the complement: SLX4 is on the minus strand). VCF-style: chr16-3592706-C-A. GRCh37 (hg19) VCF-style: chr16-3642707-C-A.
Other names: short protein forms A774S.
Identifiers: ClinVar variation 690300 (VCV000690300.5), dbSNP rs1268731319, ClinGen allele CA394524591.
Genomic context (GRCh38, chr16:3,592,706, plus strand): 5'-TTAACCTGCCAGTCCTCGTCAGTTAATTTCAAAAGCTGGGGAGCAATCCAGACCTGTGGG[C>A]CAGGGAGCTCAGCTCAGAGCTAAGGCCAGGAGGAAGGCCAGTGTCCGCAGTGTAGAGATA-3'
Protein context (NP_115820.2, residues 764-784): PGLSSELSSL[Ala774Ser]HRFGVSELVH

ClinVar aggregate classification (germline): Uncertain significance (0 of 4 stars; one submission).

Conditions:
Hereditary cancer-predisposing syndrome. Also called: Neoplastic Syndromes, Hereditary; Tumor predisposition; Hereditary neoplastic syndrome; Hereditary Cancer Syndrome. Identifiers: Orphanet 140162, MedGen C0027672, MeSH D009386, MONDO:0015356.

Allele frequency attached by ClinVar (database versions not stated): TOPMed below 0.00001.

Submission:

Center of Medical Genetics and Primary Health Care
Classification: Uncertain significance for Hereditary cancer-predisposing syndrome. Last evaluated: 2020-04-08. Review status: no assertion criteria provided. Collection method: research. Allele origin: germline. Affected: yes. Observed: 1 heterozygote.
Comment: PM2 Pathogenic Moderate: Variant not found in GnomAD genomes. PP3 Pathogenic Supporting: 8 pathogenic predictions from DANN, DEOGEN2, EIGEN, FATHMM-MKL, M-CAP, MutationAssessor, MutationTaster and SIFT vs 3 benign predictions from MVP, PrimateAI and REVEL. BP1 Benign Supporting: 92 out of 92 non-VUS missense variants in gene SLX4 are benign = 100.0% > threshold of 51.0%, and 248 out of 555 clinically reported variants in gene SLX4 are benign = 44.7% > threshold of 24.0%. In summary, the c.2320G>T (p.Ala774Ser) variant meets ACMG Guidelines 2015 criteria to be classified as Uncertain Significance.